The following is an entry in ClinVar:

ClinVar aggregate classification (germline): Uncertain significance (0 of 4 stars; one submission).

Conditions:
GNAS-related disorder. Identifiers: MedGen CN380105.

Submission:

PreventionGenetics, part of Exact Sciences
Classification: Uncertain significance for GNAS-related condition. Last evaluated: 2024-02-07. Review status: no assertion criteria provided. Collection method: clinical testing. Allele origin: germline.
Comment: The GNAS c.1394_1395insCGACTCCGGGGCGGCCCGTGACGCCCCAGCCGATTC variant is predicted to result in an in-frame amino acid insertion (p.Asp466_Ala467insSerGlyAlaAlaArgAspAlaProAlaAspSerAsp). To our knowledge, this variant has not been reported in the literature or in a large population database, indicating this variant is rare. Of note, in a different transcript (NM_000516.5) this variant is Pre-Coding. At this time, the clinical significance of this variant is uncertain due to the absence of conclusive functional and genetic evidence.

NM_080425.4(GNAS):c.1394_1395insCGACTCCGGGGCGGCCCGTGACGCCCCAGCCGATTC (p.Asp466_Ala467insSerGlyAlaAlaArgAspAlaProAlaAspSerAsp)

Gene: GNAS (GNAS complex locus; plus strand). Cytogenetic location: 20q13.32.
Variant type: Insertion.
Coding change: c.1394_1395insCGACTCCGGGGCGGCCCGTGACGCCCCAGCCGATTC on transcript NM_080425.4 (MANE Plus Clinical); coding-DNA positions 1394 to 1395, CGACTCCGGGGCGGCCCGTGACGCCCCAGCCGATTC inserted.
Protein change: p.Asp466_Ala467insSerGlyAlaAlaArgAspAlaProAlaAspSerAsp.
Molecular consequence: inframe insertion. On other transcripts: intron variant (3).
Genome position: GRCh38: chr20:58,854,659-58,854,660. GRCh37 (hg19): chr20:57,429,714-57,429,715.
Other names: c.1207_1208insCGACTCCGGGGCGGCCCGTGACGCCCCAGCCGATTC, p.Ile402_Gln403insProThrProGlyArgProValThrProGlnProIle (NM_001077490.3, NM_001309883.1); c.1394_1395insCGACTCCGGGGCGGCCCGTGACGCCCCAGCCGATTC, p.Asp466_Ala467insSerGlyAlaAlaArgAspAlaProAlaAspSerAsp (NM_001410913.1); c.*42+13773_*42+13774insCGACTCCGGGGCGGCCCGTGACGCCCCAGCCGATTC (NM_016592.5); c.43+13773_43+13774insCGACTCCGGGGCGGCCCGTGACGCCCCAGCCGATTC (NM_001410912.1); c.-39+12784_-39+12785insCGACTCCGGGGCGGCCCGTGACGCCCCAGCCGATTC (NM_001309861.2).
Identifiers: ClinVar variation 2634633 (VCV002634633.3), dbSNP rs2516386909, ClinGen allele CA2695201411.
Genomic context (GRCh38, chr20:58,854,658, plus strand): 5'-GCGGCCCCTGACGCCCCAGCCGATCCCGACTCCGGGGCGGCCCCTGACGCCCCAGCCGAT[C>CCCGACTCCGGGGCGGCCCGTGACGCCCCAGCCGATT]CAGATGCCGGGGCGGCCCCTGAGGCTCCCGCCGCCCCTGCGGCTGCTGAGACCCGGGCAG-3'